The following is an entry in ClinVar:

NM_019066.5(MAGEL2):c.2149C>G (p.Pro717Ala)

Gene: MAGEL2 (MAGE family member L2; minus strand). Cytogenetic location: 15q11.2.
Variant type: single nucleotide variant.
Coding change: c.2149C>G on transcript NM_019066.5 (MANE Select); coding-DNA position 2149, C replaced by G.
Protein change: p.Pro717Ala; replaces proline 717 with alanine.
Molecular consequence: missense variant.
Genome position (GRCh38, 1-based): chr15:23,645,594, G>C on the plus strand (C>G on the coding strand, the complement: MAGEL2 is on the minus strand). VCF-style: chr15-23645594-G-C. GRCh37 (hg19) VCF-style: chr15-23890741-G-C.
Other names: short protein forms P717A.
Identifiers: ClinVar variation 3357310 (VCV003357310.1).

ClinVar aggregate classification (germline): Uncertain significance (0 of 4 stars; one submission).

Conditions:
MAGEL2-related disorder. Also called: MAGEL2-related condition.

Submission:

PreventionGenetics, part of Exact Sciences
Classification: Uncertain significance for MAGEL2-related condition. Last evaluated: 2024-05-02. Review status: no assertion criteria provided. Collection method: clinical testing. Allele origin: germline.
Comment: The MAGEL2 c.2149C>G variant is predicted to result in the amino acid substitution p.Pro717Ala. To our knowledge, this variant has not been reported in the literature. This variant is reported in 0.011% of alleles in individuals of African descent in gnomAD. At this time, the clinical significance of this variant is uncertain due to the absence of conclusive functional and genetic evidence.